The following is an entry in ClinVar:

NM_199242.3(UNC13D):c.68G>A (p.Arg23His)

Gene: UNC13D (unc-13 homolog D; minus strand). Cytogenetic location: 17q25.1.
Variant type: single nucleotide variant.
Coding change: c.68G>A on transcript NM_199242.3 (MANE Select); coding-DNA position 68, G replaced by A.
Protein change: p.Arg23His; replaces arginine 23 with histidine.
Molecular consequence: missense variant.
Genome position (GRCh38, 1-based): chr17:75,844,270, C>T on the plus strand (G>A on the coding strand, the complement: UNC13D is on the minus strand). VCF-style: chr17-75844270-C-T. GRCh37 (hg19) VCF-style: chr17-73840351-C-T.
Other names: short protein forms R23H.
Identifiers: ClinVar variation 2065881 (VCV002065881.2), dbSNP rs554971343, ClinGen allele CA8773689.
Genomic context (GRCh38, chr17:75,844,270, plus strand): 5'-GTCACTCCTACCTCCGGGGCCATTTGGGGCGGGGGATCCTGTAGATCTCTGACTCTGCGG[C>T]GCCTTATCTTGATGGCCTGGCGCAAGAAGGGAGGGCGCTGCTGCGGATGGGAGAGGAGTG-3'
Protein context (NP_954712.1, residues 13-33): PFLRQAIKIR[Arg23His]RRVRDLQDPP

ClinVar aggregate classification (germline): Uncertain significance. Review status: criteria provided, multiple submitters, no conflicts (2 of 4 stars). 2 submissions from 2 submitters: Uncertain significance (2). Last evaluated 2024-06-04.

Conditions:
Familial hemophagocytic lymphohistiocytosis 3 (FHL3). Also called: UNC13D-Related Familial Hemophagocytic Lymphohistiocytosis (UNC13D-fHLH). Identifiers: Orphanet 540, MedGen C1837174, MONDO:0012146, OMIM 608898.

Allele frequency attached by ClinVar (database versions not stated): gnomAD 0.00003; ExAC 0.00004; TOPMed 0.00004; 1000 Genomes Project 30x 0.00016; 1000 Genomes Project 0.00020.
gnomAD v4.1: 28 of 1,612,728 alleles (0.0017%); highest among the groups gnomAD compares: East Asian, 0.038%; no homozygotes.

Submissions (2):

Women's Health and Genetics/Laboratory Corporation of America, LabCorp
Classification: Uncertain significance. Last evaluated: 2024-06-04. Review status: criteria provided, single submitter. Criteria: LabCorp Variant Classification Summary - May 2015. Collection method: clinical testing. Allele origin: germline.
Comment: Variant summary: UNC13D c.68G>A (p.Arg23His) results in a non-conservative amino acid change in the encoded protein sequence. Three of five in-silico tools predict a benign effect of the variant on protein function. The variant allele was found at a frequency of 6.4e-05 in 249296 control chromosomes. This frequency is not significantly higher than estimated for a pathogenic variant in UNC13D causing Familial Hemophagocytic Lymphohistiocytosis, allowing no conclusion about variant significance. c.68G>A has been reported in the literature in at least one compound heterozygous individual affected with Familial Hemophagocytic Lymphohistiocytosis (Bi_2022). These data do not allow any conclusion about variant significance. To our knowledge, no experimental evidence demonstrating an impact on protein function has been reported. The following publication has been ascertained in the context of this evaluation (PMID: 35902954). ClinVar contains an entry for this variant (Variation ID: 2065881). Based on the evidence outlined above, the variant was classified as uncertain significance.

Labcorp Genetics (formerly Invitae), Labcorp
Classification: Uncertain significance for Familial hemophagocytic lymphohistiocytosis 3. Last evaluated: 2022-08-19. Review status: criteria provided, single submitter. Criteria: Invitae Variant Classification Sherloc (09022015). Collection method: clinical testing. Allele origin: germline.
Comment: This sequence change replaces arginine, which is basic and polar, with histidine, which is basic and polar, at codon 23 of the UNC13D protein (p.Arg23His). This variant is present in population databases (rs554971343, gnomAD 0.07%). This variant has not been reported in the literature in individuals affected with UNC13D-related conditions. Algorithms developed to predict the effect of missense changes on protein structure and function are either unavailable or do not agree on the potential impact of this missense change (SIFT: "Not Available"; PolyPhen-2: "Benign"; Align-GVGD: "Not Available"). In summary, the available evidence is currently insufficient to determine the role of this variant in disease. Therefore, it has been classified as a Variant of Uncertain Significance.

Literature cited by the submitters: PubMed 35902954 (cited by Women's Health and Genetics/Laboratory Corporation of America, LabCorp).